The following is an entry in ClinVar:

NM_001793.6(CDH3):c.1430G>A (p.Arg477His)

Gene: CDH3 (cadherin 3; plus strand). Cytogenetic location: 16q22.1.
Variant type: single nucleotide variant.
Coding change: c.1430G>A on transcript NM_001793.6 (MANE Select); coding-DNA position 1430, G replaced by A.
Protein change: p.Arg477His; replaces arginine 477 with histidine.
Molecular consequence: missense variant.
Genome position (GRCh38, 1-based): chr16:68,685,210, G>A. VCF-style: chr16-68685210-G-A. GRCh37 (hg19) VCF-style: chr16-68719113-G-A.
Other names: c.1430G>A, p.Arg477His (NM_001317195.3); c.1265G>A, p.Arg422His (NM_001317196.2); short protein forms R477H, R422H.
Identifiers: ClinVar variation 320240 (VCV000320240.17), dbSNP rs34494880, ClinGen allele CA8129365.

ClinVar aggregate classification (germline): Benign. Review status: criteria provided, multiple submitters, no conflicts (2 of 4 stars). 4 submissions from 4 submitters: Benign (4). Last evaluated 2026-02-02.

Conditions:
EEM syndrome (EEMS). Identifiers: Orphanet 1897, MedGen C1857041, MONDO:0009155, OMIM 225280.

Allele frequency attached by ClinVar (database versions not stated): 1000 Genomes Project 30x 0.02545; 1000 Genomes Project 0.02596; TOPMed 0.04238; gnomAD 0.04895 and 0.04904; ESP Exome Variant Server 0.05463; gnomAD exomes 0.05485 and 0.07049; ExAC 0.05502.
gnomAD v4.1: 109,813 of 1,613,764 alleles (6.8%); highest among the groups gnomAD compares: Non-Finnish European, 7.7%; 4,086 homozygotes.

Submissions (4):

Labcorp Genetics (formerly Invitae), Labcorp
Classification: Benign. Last evaluated: 2026-02-02. Review status: criteria provided, single submitter. Criteria: Invitae Variant Classification Sherloc (09022015). Collection method: clinical testing. Allele origin: germline.

GeneDx
Classification: Benign. Last evaluated: 2018-07-18. Review status: criteria provided, single submitter. Criteria: GeneDx Variant Classification Process June 2021. Collection method: clinical testing. Allele origin: germline. Affected: yes.

Illumina Laboratory Services, Illumina
Classification: Benign for EEM syndrome. Last evaluated: 2018-01-12. Review status: criteria provided, single submitter. Criteria: ICSL Variant Classification Criteria 13 December 2019. Collection method: clinical testing. Allele origin: germline.
Comment: This variant was observed in the ICSL laboratory as part of a predisposition screen in an ostensibly healthy population. It had not been previously curated by ICSL or reported in the Human Gene Mutation Database (HGMD: prior to June 1st, 2018), and was therefore a candidate for classification through an automated scoring system. Utilizing variant allele frequency, disease prevalence and penetrance estimates, and inheritance mode, an automated score was calculated to assess if this variant is too frequent to cause the disease. Based on the score and internal cut-off values, a variant classified as benign is not then subjected to further curation. The score for this variant resulted in a classification of benign for this disease.

Breakthrough Genomics
Classification: Benign. Review status: criteria provided, single submitter. Criteria: ACMG Guidelines, 2015. Collection method: not provided. Allele origin: germline. Inheritance: Autosomal recessive inheritance. Affected: yes.